The following is an entry in ClinVar:

NM_001927.4(DES):c.*19A>G

Gene: DES (desmin; plus strand). Cytogenetic location: 2q35.
Variant type: single nucleotide variant.
Coding change: c.*19A>G on transcript NM_001927.4 (MANE Select); 19 bases downstream of the stop codon, A replaced by G.
Molecular consequence: 3 prime UTR variant.
Genome position (GRCh38, 1-based): chr2:219,426,009, A>G. VCF-style: chr2-219426009-A-G. GRCh37 (hg19) VCF-style: chr2-220290731-A-G.
Other names: c.*19A>G (LRG_380t1).
Identifiers: ClinVar variation 385346 (VCV000385346.1), dbSNP rs560344912, ClinGen allele CA2125323.
Genomic context (GRCh38, chr2:219,426,009, plus strand): 5'-GTCGTCAGTGAGGCCACACAGCAGCAGCATGAAGTGCTCTAAAGACAGAGACCCTCTGCC[A>G]CCAGAGACCGTCCTCACCCCTGTCCTCACTGCTCCCTGAAGCCAGCCTTCTTCCATCCCA-3'

ClinVar aggregate classification (germline): Likely benign (1 of 4 stars; one submission).

Allele frequency attached by ClinVar (database versions not stated): gnomAD exomes below 0.00001 and 0.00001; ExAC 0.00002; gnomAD 0.00005; TOPMed 0.00005.
gnomAD v4.1: 13 of 1,613,728 alleles (0.00081%); highest among the groups gnomAD compares: African/African-American, 0.015%; no homozygotes.

Submission:

GeneDx
Classification: Likely benign. Last evaluated: 2016-04-14. Review status: criteria provided, single submitter. Criteria: GeneDx Variant Classification (06012015). Collection method: clinical testing. Allele origin: germline. Affected: yes.
Comment: This variant is considered likely benign or benign based on one or more of the following criteria: it is a conservative change, it occurs at a poorly conserved position in the protein, it is predicted to be benign by multiple in silico algorithms, and/or has population frequency not consistent with disease.